The following is an entry in ClinVar:

NM_024312.5(GNPTAB):c.2693del (p.Lys898fs)

Gene: GNPTAB (N-acetylglucosamine-1-phosphate transferase subunits alpha and beta; minus strand). Cytogenetic location: 12q23.2.
Variant type: Deletion.
Coding change: c.2693del on transcript NM_024312.5 (MANE Select); coding-DNA position 2693, one base deleted (A; older notation c.2693delA).
Protein change: p.Lys898fs; shifts the reading frame from lysine 898.
Molecular consequence: frameshift variant.
Genome position (GRCh38, 1-based): chr12:101,764,224, T deleted on the plus strand (A on the coding strand, the reverse complement: GNPTAB is on the minus strand); the first of 8 consecutive T bases (chr12:101,764,224-101,764,231); deleting any one gives the same sequence. VCF-style (leftmost placement, unchanged base first): chr12-101764223-CT-C. GRCh37 (hg19) VCF-style: chr12-102158001-CT-C.
Other names: c.2693delA (NM_024312.5); short protein forms K898fs.
Identifiers: ClinVar variation 39058 (VCV000039058.36), dbSNP rs281864999, ClinGen allele CA343380.

ClinVar aggregate classification (germline): Pathogenic. Review status: criteria provided, multiple submitters, no conflicts (2 of 4 stars). 8 submissions from 8 submitters: Pathogenic (5). 3 of the submissions do not count toward it. Last evaluated 2025-02-03.

Conditions:
Mucolipidosis. Also called: Mucolipidoses. Identifiers: Orphanet 79212, MedGen C0026697, MONDO:0019248.
Mucolipidosis type II. Also called: Mucolipidosis 2; ML 2; Inclusion cell disease; Leroy Disease; N-acetylglucosamine 1phosphotransferase deficiency; ML disorder type 2. Identifiers: Orphanet 576, MedGen C2673377, MONDO:0009650, OMIM 252500.
Pseudo-Hurler polydystrophy. Also called: Type III Mucolipidosis; ML IIIA; Mucolipidosis III Alpha/Beta; MUCOLIPIDOSIS IIIA; ML III; ML III ALPHA/BETA. Identifiers: Orphanet 423461, Orphanet 577, MedGen C0033788, MONDO:0018931, OMIM 252600.

Submissions (8):

3billion
Classification: Pathogenic for Pseudo-Hurler polydystrophy. Last evaluated: 2025-02-03. Review status: criteria provided, single submitter. Criteria: ACMG Guidelines, 2015. Collection method: clinical testing. Allele origin: germline. Affected: yes.
Comment: The variant is observed at an extremely low frequency in the gnomAD v4.1.0 dataset (total allele frequency: <0.001%). Predicted Consequence/Location: Frameshift: predicted to result in a loss or disruption of normal protein function through nonsense-mediated decay (NMD) or protein truncation. Multiple pathogenic variants are reported downstream of the variant. The variant has been reported at least twice as pathogenic with clinical assertions and evidence for the classification (ClinVar ID: VCV000039058 /PMID: 19197337). Therefore, this variant is classified as Pathogenic according to the recommendation of ACMG/AMP guideline.

Natera, Inc.
Classification: Pathogenic for Mucolipidosis type II. Last evaluated: 2024-07-10. Review status: criteria provided, single submitter. Criteria: Natera Variant Classification Schema (03/2026). Collection method: clinical testing. Allele origin: germline.
Comment: The c.2693delA variant in GNPTAB is a frameshift variant predicted to shift the reading frame beginning at codon 898 and leads to a stop codon 13 codons downstream. This variant is expected to result in nonsense mediated decay, truncation, or a dysfunctional protein product. This variant is rare in the general population with a frequency below the threshold expected for the associated phenotype(s). This variant has been observed in one or more individuals affected with the associated recessive disease, as either homozygous or compound heterozygous with a second variant (PMID: 19197337). Given the available evidence, this variant is classified as Pathogenic.

Labcorp Genetics (formerly Invitae), Labcorp
Classification: Pathogenic for Pseudo-Hurler polydystrophy; Mucolipidosis type II. Last evaluated: 2023-03-21. Review status: criteria provided, single submitter. Criteria: Invitae Variant Classification Sherloc (09022015). Collection method: clinical testing. Allele origin: germline.
Comment: This sequence change creates a premature translational stop signal (p.Lys898Serfs*13) in the GNPTAB gene. It is expected to result in an absent or disrupted protein product. Loss-of-function variants in GNPTAB are known to be pathogenic (PMID: 19617216, 25107912). The frequency data for this variant in the population databases is considered unreliable, as metrics indicate poor data quality at this position in the gnomAD database. This premature translational stop signal has been observed in individual(s) with mucolipidosis III (PMID: 19197337). ClinVar contains an entry for this variant (Variation ID: 39058). For these reasons, this variant has been classified as Pathogenic.

Kariminejad - Najmabadi Pathology & Genetics Center
Classification: Pathogenic. Last evaluated: 2021-07-10. Review status: criteria provided, single submitter. Criteria: ACMG Guidelines, 2015. Collection method: clinical testing. Allele origin: germline. Affected: yes.

Women's Health and Genetics/Laboratory Corporation of America, LabCorp
Classification: Pathogenic for Pseudo-Hurler polydystrophy. Last evaluated: 2016-07-28. Review status: criteria provided, single submitter. Criteria: LabCorp Variant Classification Summary - May 2015. Collection method: clinical testing. Allele origin: germline.
Comment: Variant summary: The GNPTAB c.2693delA (p.Lys898Serfs) variant results in a premature termination codon, predicted to cause a truncated or absent GNPTAB protein due to nonsense mediated decay, which are commonly known mechanisms for disease. The variant of interest was not found in controls (ExAC, 1000 Gs or ESP) and has been reported in one affected individual who was diagnosed with ML III and was compound heterozygous for the variant of interest and an exon 2 duplication. GeneReviews classifies the variant as "pathogenic." Therefore, taking all available lines of evidence into consideration the varinat of interest has been classified as Pathogenic.

Counsyl
Classification: Likely pathogenic for Mucolipidosis type II; Pseudo-Hurler polydystrophy. Last evaluated: 2018-04-04. Review status: no assertion criteria provided. Collection method: clinical testing. Allele origin: unknown. Not counted in ClinVar's aggregate classification.

Department of Genetics and Endocrinology, Guangzhou Women and Children’s Medical Center
Classification: Pathogenic for Mucolipidosis. Review status: no assertion criteria provided. Collection method: clinical testing. Allele origin: inherited. Affected: yes. Not counted in ClinVar's aggregate classification.

GeneReviews
No classification provided. Condition: Pseudo-Hurler polydystrophy. Review status: no classification provided. Collection method: literature only. Allele origin: unknown. Not counted in ClinVar's aggregate classification.

Literature cited by the submitters: PubMed 19197337 (cited by 6 submitters); PubMed 19617216 (cited by Labcorp Genetics (formerly Invitae), Labcorp); PubMed 25107912 (cited by Labcorp Genetics (formerly Invitae), Labcorp); PubMed 20301728 (cited by GeneReviews); NCBI Bookshelf NBK1828 (cited by GeneReviews).